The following is an entry in ClinVar:

NM_001376.5(DYNC1H1):c.4851A>C (p.Glu1617Asp)

Gene: DYNC1H1 (dynein cytoplasmic 1 heavy chain 1; plus strand). Cytogenetic location: 14q32.31.
Variant type: single nucleotide variant.
Coding change: c.4851A>C on transcript NM_001376.5 (MANE Select); coding-DNA position 4851, A replaced by C.
Protein change: p.Glu1617Asp; replaces glutamic acid 1617 with aspartic acid.
Molecular consequence: missense variant.
Genome position (GRCh38, 1-based): chr14:102,002,933, A>C. VCF-style: chr14-102002933-A-C. GRCh37 (hg19) VCF-style: chr14-102469270-A-C.
Other names: p.Glu1617Asp; short protein forms E1617D.
Identifiers: ClinVar variation 408977 (VCV000408977.11), dbSNP rs1060502204, ClinGen allele CA16614049.

ClinVar aggregate classification (germline): Conflicting classifications of pathogenicity. Review status: criteria provided, conflicting classifications (1 of 4 stars). 3 submissions from 3 submitters: Uncertain significance (2); Likely benign (1). Last evaluated 2025-10-25.

Conditions:
Inborn genetic diseases. Identifiers: MedGen C0950123, MeSH D030342.
Charcot-Marie-Tooth disease axonal type 2O. Also called: CHARCOT-MARIE-TOOTH NEUROPATHY, AXONAL, TYPE 2O; CHARCOT-MARIE-TOOTH DISEASE, AXONAL, AUTOSOMAL DOMINANT, TYPE 2O; Charcot-Marie-Tooth Neuropathy Type 2O; Charcot-Marie-Tooth disease, axonal, type 20. Identifiers: Orphanet 284232, MedGen C3280220, MONDO:0013644, OMIM 614228.

Allele frequency attached by ClinVar (database versions not stated): gnomAD exomes 0.00001; gnomAD 0.00001; TOPMed 0.00001.

Submissions (3):

Labcorp Genetics (formerly Invitae), Labcorp
Classification: Likely benign for Charcot-Marie-Tooth disease axonal type 2O. Last evaluated: 2025-10-25. Review status: criteria provided, single submitter. Criteria: Invitae Variant Classification Sherloc (09022015). Collection method: clinical testing. Allele origin: germline.

Mayo Clinic Laboratories, Mayo Clinic
Classification: Uncertain significance. Last evaluated: 2023-11-22. Review status: criteria provided, single submitter. Criteria: ACMG Guidelines, 2015. Collection method: clinical testing. Allele origin: germline. Observed: 1 variant allele.

Ambry Genetics
Classification: Uncertain significance for Inborn genetic diseases. Last evaluated: 2020-12-22. Review status: criteria provided, single submitter. Criteria: Ambry Variant Classification Scheme 2023. Collection method: clinical testing. Allele origin: germline.
Comment: The p.E1617D variant (also known as c.4851A>C), located in coding exon 23 of the DYNC1H1 gene, results from an A to C substitution at nucleotide position 4851. The glutamic acid at codon 1617 is replaced by aspartic acid, an amino acid with highly similar properties. This amino acid position is highly conserved in available vertebrate species. In addition, this alteration is predicted to be tolerated by in silico analysis. Since supporting evidence is limited at this time, the clinical significance of this alteration remains unclear.